The following is an entry in ClinVar:

ClinVar aggregate classification (germline): Uncertain significance (1 of 4 stars; one submission).

Submission:

GeneDx
Classification: Uncertain significance. Last evaluated: 2026-03-11. Review status: criteria provided, single submitter. Criteria: GeneDx Variant Classification Process June 2021. Collection method: clinical testing. Allele origin: germline.
Comment: Not observed at significant frequency in large population cohorts (gnomAD); Has not been previously published as pathogenic or benign to our knowledge; In silico analysis suggests this variant may impact gene splicing. In the absence of RNA/functional studies, the actual effect of this sequence change is unknown.

NM_003000.3(SDHB):c.72+3_72+6dup

Genes: SDHB (succinate dehydrogenase complex iron sulfur subunit B; minus strand), LOC129929542 (ATAC-STARR-seq lymphoblastoid active region 277; plus strand). Cytogenetic location: 1p36.13.
Variant type: Duplication.
Coding change: c.72+3_72+6dup on transcript NM_003000.3 (MANE Select); bases 3 to 6 of the intron after coding-DNA position 72, 4 bases duplicated (GAGT; older notation c.72+3_72+6dupGAGT).
Molecular consequence: splice donor variant.
Genome position (GRCh38, 1-based): chr1:17,053,942-17,053,945, ACTC duplicated on the plus strand (GAGT on the coding strand, the reverse complement: SDHB is on the minus strand); duplicating any 4 consecutive bases within chr1:17,053,942-17,053,947 gives the same sequence; the c. name uses the placement nearest the transcript's 3' end. VCF-style (leftmost placement, unchanged base first): chr1-17053941-G-GACTC. GRCh37 (hg19) VCF-style: chr1-17380436-G-GACTC.
Other names: c.72+3_72+6dup (NM_001407361.1).
Identifiers: ClinVar variation 5008966 (VCV005008966.1).
Genomic context (GRCh38, chr1:17,053,941, plus strand): 5'-CCCCATCAGCTCCAGGCAGTCTCTGTGGCTTTCCTGACTTTTCCCTCTCTGAGGCTCCAG[G>GACTC]ACTCACCTGCAGGCAGGCTCCGCCAAGGGTTGTGGCCGGCAACCGGCGCCTCAAGGAGAG-3'